The following is an entry in ClinVar:

NM_018718.3(CEP41):c.769T>G (p.Leu257Val)

Gene: CEP41 (centrosomal protein 41; minus strand). Cytogenetic location: 7q32.2.
Variant type: single nucleotide variant.
Coding change: c.769T>G on transcript NM_018718.3 (MANE Select); coding-DNA position 769, T replaced by G.
Protein change: p.Leu257Val; replaces leucine 257 with valine.
Molecular consequence: missense variant. On other transcripts: non-coding transcript variant (1), intron variant (2).
Genome position (GRCh38, 1-based): chr7:130,400,243, A>C on the plus strand (T>G on the coding strand, the complement: CEP41 is on the minus strand). VCF-style: chr7-130400243-A-C. GRCh37 (hg19) VCF-style: chr7-130040084-A-C.
Other names: c.709+464T>G (NM_001257159.2); c.757+464T>G (NM_001257158.2); short protein forms L257V.
Identifiers: ClinVar variation 1469817 (VCV001469817.6), dbSNP rs2117552967, ClinGen allele CA369287541.

ClinVar aggregate classification (germline): Uncertain significance (1 of 4 stars; one submission).

Conditions:
Joubert syndrome 15 (JBTS15). Identifiers: Orphanet 475, MedGen C3280897, MONDO:0013763, OMIM 614464.

Submission:

Labcorp Genetics (formerly Invitae), Labcorp
Classification: Uncertain significance for Joubert syndrome 15. Last evaluated: 2024-01-19. Review status: criteria provided, single submitter. Criteria: Invitae Variant Classification Sherloc (09022015). Collection method: clinical testing. Allele origin: germline.
Comment: This sequence change replaces leucine, which is neutral and non-polar, with valine, which is neutral and non-polar, at codon 257 of the CEP41 protein (p.Leu257Val). This variant is not present in population databases (gnomAD no frequency). This variant has not been reported in the literature in individuals affected with CEP41-related conditions. ClinVar contains an entry for this variant (Variation ID: 1469817). Advanced modeling of protein sequence and biophysical properties (such as structural, functional, and spatial information, amino acid conservation, physicochemical variation, residue mobility, and thermodynamic stability) performed at Invitae indicates that this missense variant is not expected to disrupt CEP41 protein function with a negative predictive value of 80%. In summary, the available evidence is currently insufficient to determine the role of this variant in disease. Therefore, it has been classified as a Variant of Uncertain Significance.